The following is an entry in ClinVar:

ClinVar aggregate classification (germline): Uncertain significance (1 of 4 stars; one submission).

Conditions:
Alzheimer disease. Also called: Alzheimer's disease; Presenile and senile dementia. Identifiers: Orphanet 1020, MedGen C0002395, MeSH D000544, MONDO:0004975, HP:0002511.

Allele frequency attached by ClinVar (database versions not stated): gnomAD exomes below 0.00001; gnomAD 0.00001; ExAC 0.00002.
gnomAD v4.1: 8 of 1,614,070 alleles (0.0005%); highest among the groups gnomAD compares: Admixed American, 0.0033%; no homozygotes.

Submission:

Labcorp Genetics (formerly Invitae), Labcorp
Classification: Uncertain significance for Alzheimer disease. Last evaluated: 2023-01-17. Review status: criteria provided, single submitter. Criteria: Invitae Variant Classification Sherloc (09022015). Collection method: clinical testing. Allele origin: germline.
Comment: In summary, the available evidence is currently insufficient to determine the role of this variant in disease. Therefore, it has been classified as a Variant of Uncertain Significance. Advanced modeling of protein sequence and biophysical properties (such as structural, functional, and spatial information, amino acid conservation, physicochemical variation, residue mobility, and thermodynamic stability) performed at Invitae indicates that this missense variant is not expected to disrupt APP protein function. This variant has not been reported in the literature in individuals affected with APP-related conditions. This variant is present in population databases (rs750040087, gnomAD 0.005%). This sequence change replaces tyrosine, which is neutral and polar, with cysteine, which is neutral and slightly polar, at codon 549 of the APP protein (p.Tyr549Cys).

NM_000484.4(APP):c.1646A>G (p.Tyr549Cys)

Gene: APP (amyloid beta precursor protein; minus strand). Cytogenetic location: 21q21.3.
Variant type: single nucleotide variant.
Coding change: c.1646A>G on transcript NM_000484.4 (MANE Select); coding-DNA position 1646, A replaced by G.
Protein change: p.Tyr549Cys; replaces tyrosine 549 with cysteine.
Molecular consequence: missense variant.
Genome position (GRCh38, 1-based): chr21:25,954,631, T>C on the plus strand (A>G on the coding strand, the complement: APP is on the minus strand). VCF-style: chr21-25954631-T-C. GRCh37 (hg19) VCF-style: chr21-27326945-T-C.
Other names: c.1574A>G, p.Tyr525Cys (NM_001136016.3); c.1253A>G, p.Tyr418Cys (NM_001136129.3); c.1478A>G, p.Tyr493Cys (NM_001136130.3, NM_001385253.1); c.1316A>G, p.Tyr439Cys (NM_001136131.3); c.1646A>G, p.Tyr549Cys (NM_001204301.2); c.1589A>G, p.Tyr530Cys (NM_001204302.2, NM_201413.3); c.1421A>G, p.Tyr474Cys (NM_001204303.2, NM_201414.3); short protein forms Y525C, Y549C, Y418C, Y439C, Y474C, Y530C, Y493C.
Identifiers: ClinVar variation 2888607 (VCV002888607.3), dbSNP rs750040087, ClinGen allele CA9987248.
Genomic context (GRCh38, chr21:25,954,631, plus strand): 5'-AAAAGAACAGCTTACTTACCAACTTCATCCTGAATCTCCTCGGCCACTGCAGGCACGTTG[T>C]AGAGCAGGGAGAGAGACTGATTCATGCGCTCATAAATCACACGGAGGTGTGTCATAACCT-3'
Protein context (NP_000475.1, residues 539-559): ERMNQSLSLL[Tyr549Cys]NVPAVAEEIQ